The following is an entry in ClinVar:

NM_000452.3(SLC10A2):c.1004C>A (p.Ser335Ter)

Gene: SLC10A2 (solute carrier family 10 member 2; minus strand). Cytogenetic location: 13q33.1.
Variant type: single nucleotide variant.
Coding change: c.1004C>A on transcript NM_000452.3 (MANE Select); coding-DNA position 1004, C replaced by A.
Protein change: p.Ser335Ter; replaces serine 335 with a stop codon.
Molecular consequence: nonsense.
Genome position (GRCh38, 1-based): chr13:103,046,176, G>T on the plus strand (C>A on the coding strand, the complement: SLC10A2 is on the minus strand). VCF-style: chr13-103046176-G-T. GRCh37 (hg19) VCF-style: chr13-103698526-G-T.
Other names: short protein forms S335*.
Identifiers: ClinVar variation 3682757 (VCV003682757.2).

ClinVar aggregate classification (germline): Uncertain significance (1 of 4 stars; one submission).

Submission:

Labcorp Genetics (formerly Invitae), Labcorp
Classification: Uncertain significance. Last evaluated: 2024-07-12. Review status: criteria provided, single submitter. Criteria: Invitae Variant Classification Sherloc (09022015). Collection method: clinical testing. Allele origin: germline.
Comment: This sequence change creates a premature translational stop signal (p.Ser335*) in the SLC10A2 gene. While this is not anticipated to result in nonsense mediated decay, it is expected to disrupt the last 14 amino acid(s) of the SLC10A2 protein. This variant is present in population databases (rs370357133, gnomAD 0.02%). This variant has not been reported in the literature in individuals affected with SLC10A2-related conditions. In summary, the available evidence is currently insufficient to determine the role of this variant in disease. Therefore, it has been classified as a Variant of Uncertain Significance.